The following is an entry in ClinVar:

ClinVar aggregate classification (germline): Uncertain significance. Review status: criteria provided, multiple submitters, no conflicts (2 of 4 stars). 2 submissions from 2 submitters: Uncertain significance (2). Last evaluated 2021-09-15.

Conditions:
Cerebral palsy, spastic quadriplegic, 2 (CPSQ2). Identifiers: Orphanet 210141, MedGen C2752061, MONDO:0013033, OMIM 612900.

Allele frequency attached by ClinVar (database versions not stated): gnomAD 0.00001; gnomAD exomes 0.00001 and 0.00004; ExAC 0.00002; TOPMed 0.00002.
gnomAD v4.1: 22 of 1,613,976 alleles (0.0014%); highest among the groups gnomAD compares: East Asian, 0.049%; no homozygotes.

Submissions (2):

Fulgent Genetics
Classification: Uncertain significance for Cerebral palsy, spastic quadriplegic, 2. Last evaluated: 2021-09-15. Review status: criteria provided, single submitter. Criteria: ACMG Guidelines, 2015. Collection method: clinical testing. Allele origin: unknown.

Labcorp Genetics (formerly Invitae), Labcorp
Classification: Uncertain significance. Last evaluated: 2021-02-14. Review status: criteria provided, single submitter. Criteria: Invitae Variant Classification Sherloc (09022015). Collection method: clinical testing. Allele origin: germline.
Comment: In summary, the available evidence is currently insufficient to determine the role of this variant in disease. Therefore, it has been classified as a Variant of Uncertain Significance. Algorithms developed to predict the effect of missense changes on protein structure and function are either unavailable or do not agree on the potential impact of this missense change (SIFT: "Deleterious"; PolyPhen-2: "Probably Damaging"; Align-GVGD: "Class C0"). This variant has not been reported in the literature in individuals with KANK1-related conditions. This variant is present in population databases (rs745774146, ExAC 0.03%). This sequence change replaces aspartic acid with tyrosine at codon 50 of the KANK1 protein (p.Asp50Tyr). The aspartic acid residue is moderately conserved and there is a large physicochemical difference between aspartic acid and tyrosine.

NM_015158.5(KANK1):c.148G>T (p.Asp50Tyr)

Gene: KANK1 (KN motif and ankyrin repeat domains 1; plus strand). Cytogenetic location: 9p24.3.
Variant type: single nucleotide variant.
Coding change: c.148G>T on transcript NM_015158.5 (MANE Select); coding-DNA position 148, G replaced by T.
Protein change: p.Asp50Tyr; replaces aspartic acid 50 with tyrosine.
Molecular consequence: missense variant. On other transcripts: 5 prime UTR variant (12), non-coding transcript variant (1).
Genome position (GRCh38, 1-based): chr9:710,914, G>T. VCF-style: chr9-710914-G-T. GRCh37 (hg19) VCF-style: chr9-710914-G-T.
Other names: c.148G>T, p.Asp50Tyr (NM_001256876.3, NM_001256877.3, NM_001354331.2 and 2 more transcripts); c.-327G>T (NM_001354333.2, NM_001354335.2, NM_001354336.2 and 9 more transcripts); short protein forms D50Y.
Identifiers: ClinVar variation 1352355 (VCV001352355.9), dbSNP rs745774146, ClinGen allele CA4959856.